The following is an entry in ClinVar:

NM_001244008.2(KIF1A):c.4069C>T (p.Arg1357Trp)

Gene: KIF1A (kinesin family member 1A; minus strand). Cytogenetic location: 2q37.3.
Variant type: single nucleotide variant.
Coding change: c.4069C>T on transcript NM_001244008.2 (MANE Select); coding-DNA position 4069, C replaced by T.
Protein change: p.Arg1357Trp; replaces arginine 1357 with tryptophan.
Molecular consequence: missense variant.
Genome position (GRCh38, 1-based): chr2:240,726,879, G>A on the plus strand (C>T on the coding strand, the complement: KIF1A is on the minus strand). VCF-style: chr2-240726879-G-A. GRCh37 (hg19) VCF-style: chr2-241666296-G-A.
Other names: c.3766C>T (NM_004321.6); c.3793C>T, p.Arg1265Trp (NM_001320705.2, NM_001379649.1); c.3820C>T, p.Arg1274Trp (NM_001330289.2); c.3868C>T, p.Arg1290Trp (NM_001330290.2, NM_001379648.1); c.4144C>T, p.Arg1382Trp (NM_001379631.1); c.4045C>T, p.Arg1349Trp (NM_001379632.1); c.4042C>T, p.Arg1348Trp (NM_001379633.1, NM_001379645.1); c.3895C>T, p.Arg1299Trp (NM_001379634.1); and 8 more; short protein forms R1357W, R1256W, R1265W, R1274W, R1290W, R1255W, R1264W, R1273W.
Identifiers: ClinVar variation 281943 (VCV000281943.9), dbSNP rs886042271, ClinGen allele CA10604015.

ClinVar aggregate classification (germline): Uncertain significance. Review status: criteria provided, multiple submitters, no conflicts (2 of 4 stars). 3 submissions from 3 submitters: Uncertain significance (3). Last evaluated 2024-01-19.

Conditions:
Hereditary spastic paraplegia 30. Identifiers: Orphanet 101010, MedGen C5235139, MONDO:0012476.
Neuropathy, hereditary sensory, type 2C. Also called: Hereditary sensory and autonomic neuropathy type IIC; KIF1A-Related HSAN2 (HSAN2C). Identifiers: Orphanet 970, MedGen C3280168, MONDO:0013634, OMIM 614213.
Intellectual disability, autosomal dominant 9 (NESCAVS). Also called: KIF1A-Related Neurodevelopmental Disorder; NESCAV SYNDROME. Identifiers: Orphanet 662367, MedGen C5393830, MONDO:0013656, OMIM 614255.

Allele frequency attached by ClinVar (database versions not stated): TOPMed below 0.00001.

Submissions (3):

Labcorp Genetics (formerly Invitae), Labcorp
Classification: Uncertain significance for Hereditary spastic paraplegia 30; Neuropathy, hereditary sensory, type 2C; Intellectual disability, autosomal dominant 9. Last evaluated: 2024-01-19. Review status: criteria provided, single submitter. Criteria: Invitae Variant Classification Sherloc (09022015). Collection method: clinical testing. Allele origin: germline.
Comment: This sequence change replaces arginine, which is basic and polar, with tryptophan, which is neutral and slightly polar, at codon 1256 of the KIF1A protein (p.Arg1256Trp). This variant is not present in population databases (gnomAD no frequency). This variant has not been reported in the literature in individuals affected with KIF1A-related conditions. ClinVar contains an entry for this variant (Variation ID: 281943). Advanced modeling of protein sequence and biophysical properties (such as structural, functional, and spatial information, amino acid conservation, physicochemical variation, residue mobility, and thermodynamic stability) performed at Invitae indicates that this missense variant is not expected to disrupt KIF1A protein function with a negative predictive value of 95%. In summary, the available evidence is currently insufficient to determine the role of this variant in disease. Therefore, it has been classified as a Variant of Uncertain Significance.

GeneDx
Classification: Uncertain significance. Last evaluated: 2023-03-22. Review status: criteria provided, single submitter. Criteria: GeneDx Variant Classification Process June 2021. Collection method: clinical testing. Allele origin: germline. Affected: yes.
Comment: Not observed at significant frequency in large population cohorts (gnomAD); In silico analysis supports that this missense variant has a deleterious effect on protein structure/function; Has not been previously published as pathogenic or benign to our knowledge

Eurofins Ntd Llc (ga)
Classification: Uncertain significance. Last evaluated: 2015-07-14. Review status: criteria provided, single submitter. Criteria: EGL Classification Definitions 2015. Collection method: clinical testing. Allele origin: germline. Observed: 3 variant alleles, 3 heterozygotes.